The following is an entry in ClinVar:

NM_004431.5(EPHA2):c.2012G>A (p.Ser671Asn)

Gene: EPHA2 (EPH receptor A2; minus strand). Cytogenetic location: 1p36.13.
Variant type: single nucleotide variant.
Coding change: c.2012G>A on transcript NM_004431.5 (MANE Select); coding-DNA position 2012, G replaced by A.
Protein change: p.Ser671Asn; replaces serine 671 with asparagine.
Molecular consequence: missense variant.
Genome position (GRCh38, 1-based): chr1:16,133,221, C>T on the plus strand (G>A on the coding strand, the complement: EPHA2 is on the minus strand). VCF-style: chr1-16133221-C-T. GRCh37 (hg19) VCF-style: chr1-16459716-C-T.
Other names: c.1850G>A, p.Ser617Asn (NM_001329090.2); short protein forms S617N, S671N.
Identifiers: ClinVar variation 4986719 (VCV004986719.1).

ClinVar aggregate classification (germline): Uncertain significance (1 of 4 stars; one submission).

Conditions:
EPHA2-related disorder. Also called: EPHA2-related condition.

gnomAD v4.1: 1 of 1,613,806 alleles (0.000062%); highest among the groups gnomAD compares: Non-Finnish European, 0.000085%; no homozygotes.

Submission:

PreventionGenetics, part of Exact Sciences
Classification: Uncertain significance for EPHA2-related condition. Last evaluated: 2025-05-29. Review status: criteria provided, single submitter. Criteria: ACMG Guidelines, 2015. Collection method: clinical testing. Allele origin: germline.
Comment: The EPHA2 c.2012G>A variant is predicted to result in the amino acid substitution p.Ser671Asn. To our knowledge, this variant has not been reported in the literature or in a large population database (gnomAD), indicating this variant is rare. At this time, the clinical significance of this variant is uncertain due to the absence of conclusive functional and genetic evidence.